The following is an entry in ClinVar:

ClinVar aggregate classification (germline): Likely benign. Review status: criteria provided, single submitter (1 of 4 stars). 2 submissions from 2 submitters: Likely benign (1). 1 of the submissions does not count toward it. Last evaluated 2025-07-20.

Conditions:
SEC24D-related disorder. Also called: SEC24D-related condition.

Allele frequency attached by ClinVar (database versions not stated): gnomAD exomes 0.00004; ExAC 0.00009; gnomAD 0.00031; TOPMed 0.00039; 1000 Genomes Project 0.00040; ESP Exome Variant Server 0.00046; 1000 Genomes Project 30x 0.00062.
gnomAD v4.1: 108 of 1,613,902 alleles (0.0067%); highest among the groups gnomAD compares: African/African-American, 0.12%; no homozygotes.

Submissions (2):

Labcorp Genetics (formerly Invitae), Labcorp
Classification: Likely benign. Last evaluated: 2025-07-20. Review status: criteria provided, single submitter. Criteria: Invitae Variant Classification Sherloc (09022015). Collection method: clinical testing. Allele origin: germline.

PreventionGenetics, part of Exact Sciences
Classification: Likely benign for SEC24D-related condition. Last evaluated: 2024-07-15. Review status: no assertion criteria provided. Collection method: clinical testing. Allele origin: germline. Not counted in ClinVar's aggregate classification.
Comment: This variant is classified as likely benign based on ACMG/AMP sequence variant interpretation guidelines (Richards et al. 2015 PMID: 25741868, with internal and published modifications).

NM_014822.4(SEC24D):c.2163C>T (p.Ile721=)

Gene: SEC24D (SEC24 homolog D, COPII component; minus strand). Cytogenetic location: 4q26.
Variant type: single nucleotide variant.
Coding change: c.2163C>T on transcript NM_014822.4 (MANE Select); coding-DNA position 2163, C replaced by T.
Protein change: p.Ile721=; no amino-acid change (isoleucine 721 retained).
Molecular consequence: synonymous variant.
Genome position (GRCh38, 1-based): chr4:118,740,738, G>A on the plus strand (C>T on the coding strand, the complement: SEC24D is on the minus strand). VCF-style: chr4-118740738-G-A. GRCh37 (hg19) VCF-style: chr4-119661893-G-A.
Other names: c.2166C>T, p.Ile722= (NM_001318066.2); c.2163C>T (NM_014822.3).
Identifiers: ClinVar variation 2176987 (VCV002176987.5), dbSNP rs143587228, ClinGen allele CA3057050.
Genomic context (GRCh38, chr4:118,740,738, plus strand): 5'-ACTGTCTTCACTGAGTTTGTCATCGTGCTTGAACTCCACGGTCACTGCCTTGTCACAATC[G>A]ATGGCAGCCATTTCTACATCGGTGGTGTTGTTCATCAAGATTCCACCAAAGAAATCAGTG-3'
Protein context (NP_055637.2, residues 711-731): NNTTDVEMAA[Ile721=]DCDKAVTVEF